The following is an entry in ClinVar:

NM_144997.7(FLCN):c.978G>T (p.Pro326=)

Gene: FLCN (folliculin; minus strand). Cytogenetic location: 17p11.2.
Variant type: single nucleotide variant.
Coding change: c.978G>T on transcript NM_144997.7 (MANE Select); coding-DNA position 978, G replaced by T.
Protein change: p.Pro326=; no amino-acid change (proline 326 retained).
Molecular consequence: synonymous variant.
Genome position (GRCh38, 1-based): chr17:17,219,103, C>A on the plus strand (G>T on the coding strand, the complement: FLCN is on the minus strand). VCF-style: chr17-17219103-C-A. GRCh37 (hg19) VCF-style: chr17-17122417-C-A.
Other names: c.978G>T, p.Pro326= (NM_001353230.2, NM_001353231.2); c.1032G>T, p.Pro344= (NM_001353229.2).
Identifiers: ClinVar variation 1768207 (VCV001768207.3), dbSNP rs920594920, ClinGen allele CA498163550.

ClinVar aggregate classification (germline): Benign/Likely benign. Review status: criteria provided, multiple submitters, no conflicts (2 of 4 stars). 2 submissions from 2 submitters: Benign (1); Likely benign (1). Last evaluated 2024-10-23.

Conditions:
Birt-Hogg-Dube syndrome 1 (BHD1). Also called: FIBROFOLLICULOMAS WITH TRICHODISCOMAS AND ACROCHORDONS. Identifiers: Orphanet 122, MedGen CN375946, MONDO:0800445, OMIM 135150.
Hereditary cancer-predisposing syndrome. Also called: Hereditary Cancer Syndrome; Hereditary neoplastic syndrome; Neoplastic Syndromes, Hereditary; Tumor predisposition. Identifiers: Orphanet 140162, MedGen C0027672, MeSH D009386, MONDO:0015356.

Submissions (2):

Myriad Genetics, Inc.
Classification: Benign for Birt-Hogg-Dube syndrome 1. Last evaluated: 2024-10-23. Review status: criteria provided, single submitter. Criteria: Myriad Autosomal Dominant, Autosomal Recessive and X-Linked Classification Criteria (2023). Collection method: clinical testing. Allele origin: unknown.
Comment: This variant is considered benign. This variant is a silent/synonymous amino acid change and it is not expected to impact splicing.

Ambry Genetics
Classification: Likely benign for Hereditary cancer-predisposing syndrome. Last evaluated: 2020-03-16. Review status: criteria provided, single submitter. Criteria: Ambry Variant Classification Scheme 2023. Collection method: clinical testing. Allele origin: germline.